The following is an entry in ClinVar:

NM_001077365.2(POMT1):c.2168G>A (p.Arg723Gln)

Gene: POMT1 (protein O-mannosyltransferase 1; plus strand). Cytogenetic location: 9q34.13.
Variant type: single nucleotide variant.
Coding change: c.2168G>A on transcript NM_001077365.2 (MANE Select); coding-DNA position 2168, G replaced by A.
Protein change: p.Arg723Gln; replaces arginine 723 with glutamine.
Molecular consequence: missense variant. On other transcripts: non-coding transcript variant (10).
Genome position (GRCh38, 1-based): chr9:131,523,096, G>A. VCF-style: chr9-131523096-G-A. GRCh37 (hg19) VCF-style: chr9-134398483-G-A.
Other names: c.2006G>A, p.Arg669Gln (NM_001077366.2, NM_001353194.2); c.2168G>A, p.Arg723Gln (NM_001136113.2); c.1817G>A, p.Arg606Gln (NM_001136114.2, NM_001353195.2, NM_001374691.1 and 2 more transcripts); c.2234G>A, p.Arg745Gln (NM_001353193.2, NM_007171.4); c.2078G>A, p.Arg693Gln (NM_001353196.2); c.2072G>A, p.Arg691Gln (NM_001353197.2, NM_001353198.2); c.1883G>A, p.Arg628Gln (NM_001353199.2); c.1712G>A, p.Arg571Gln (NM_001353200.2); and 3 more; short protein forms R745Q, R571Q, R669Q, R606Q, R691Q, R723Q, R628Q, R693Q.
Identifiers: ClinVar variation 130012 (VCV000130012.27), dbSNP rs144051476, ClinGen allele CA231408.
Genomic context (GRCh38, chr9:131,523,096, plus strand): 5'-CACTCTCGCCACATGAACTCAAGGCCCTTCGCTGGAAAGACAGCTGGGACATCTTGATCC[G>A]AAAACACTAGAACAAGAGTGTGGCAAAGAACACCCGTGCTGGGGTCGGGATGAGGTTGAA-3'
Protein context (NP_001070833.1, residues 713-725): RWKDSWDILI[Arg723Gln]KH

ClinVar aggregate classification (germline): Benign/Likely benign. Review status: criteria provided, multiple submitters, no conflicts (2 of 4 stars). 8 submissions from 8 submitters: Benign (1); Likely benign (6). 1 of the submissions does not count toward it. Last evaluated 2026-01-25.

Conditions:
POMT1-related disorder. Also called: POMT1-related condition; POMT1-related disorders.
Muscular dystrophy-dystroglycanopathy (congenital with impaired intellectual development), type B, 1. Also called: MUSCULAR DYSTROPHY, CONGENITAL, POMT1-RELATED; Muscular dystrophy-dystroglycanopathy (congenital with intellectual disability), type B1. Identifiers: MedGen C5436962, MONDO:0013159, OMIM 613155.
Autosomal recessive limb-girdle muscular dystrophy type 2K. Also called: MUSCULAR DYSTROPHY, LIMB-GIRDLE, TYPE 2K; MUSCULAR DYSTROPHY-DYSTROGLYCANOPATHY (LIMB-GIRDLE), TYPE C, 1. Identifiers: Orphanet 86812, MedGen C1836373, MONDO:0012248, OMIM 609308.
Walker-Warburg congenital muscular dystrophy. Also called: Muscular dystrophy-dystroglycanopathy, type A; Walker-Warburg syndrome. Identifiers: Orphanet 899, MedGen C0265221, MONDO:0000171.

Allele frequency attached by ClinVar (database versions not stated): TOPMed 0.00134; gnomAD 0.00153; ESP Exome Variant Server 0.00154; 1000 Genomes Project 0.00319; 1000 Genomes Project 30x 0.00359.
gnomAD v4.1: 495 of 1,610,764 alleles (0.031%); highest among the groups gnomAD compares: African/African-American, 0.45%; no homozygotes.

Submissions (8):

Labcorp Genetics (formerly Invitae), Labcorp
Classification: Likely benign for Muscular dystrophy-dystroglycanopathy (congenital with impaired intellectual development), type B, 1; Walker-Warburg congenital muscular dystrophy; Autosomal recessive limb-girdle muscular dystrophy type 2K. Last evaluated: 2026-01-25. Review status: criteria provided, single submitter. Criteria: Invitae Variant Classification Sherloc (09022015). Collection method: clinical testing. Allele origin: germline.

Blueprint Genetics
Classification: Likely benign. Last evaluated: 2024-11-25. Review status: criteria provided, single submitter. Criteria: ACMG Guidelines, 2015. Collection method: clinical testing. Allele origin: germline.

GeneDx
Classification: Likely benign. Last evaluated: 2020-10-24. Review status: criteria provided, single submitter. Criteria: GeneDx Variant Classification Process June 2021. Collection method: clinical testing. Allele origin: germline. Affected: yes.

Athena Diagnostics
Classification: Likely benign. Last evaluated: 2018-09-14. Review status: criteria provided, single submitter. Criteria: Athena Diagnostics Criteria. Collection method: clinical testing. Allele origin: germline.

Genetic Services Laboratory, University of Chicago
Classification: Likely benign. Last evaluated: 2015-12-02. Review status: criteria provided, single submitter. Criteria: ACMG Guidelines, 2015. Collection method: clinical testing. Allele origin: germline. Affected: no.

Eurofins Ntd Llc (ga)
Classification: Benign. Last evaluated: 2014-11-20. Review status: criteria provided, single submitter. Criteria: EGL Classification Definitions 2015. Collection method: clinical testing. Allele origin: germline. Observed: 3 variant alleles, 3 heterozygotes.

Breakthrough Genomics
Classification: Likely benign. Review status: criteria provided, single submitter. Criteria: ACMG Guidelines, 2015. Collection method: not provided. Allele origin: germline. Inheritance: Autosomal recessive inheritance. Affected: yes.

PreventionGenetics, part of Exact Sciences
Classification: Likely benign for POMT1-related condition. Last evaluated: 2021-01-25. Review status: no assertion criteria provided. Collection method: clinical testing. Allele origin: germline. Not counted in ClinVar's aggregate classification.
Comment: This variant is classified as likely benign based on ACMG/AMP sequence variant interpretation guidelines (Richards et al. 2015 PMID: 25741868, with internal and published modifications).